The following is an entry in ClinVar:

NM_001365276.2(TNXB):c.10045G>A (p.Ala3349Thr)

Gene: TNXB (tenascin XB; minus strand). Cytogenetic location: 6p21.33.
Variant type: single nucleotide variant.
Coding change: c.10045G>A on transcript NM_001365276.2 (MANE Select); coding-DNA position 10045, G replaced by A.
Protein change: p.Ala3349Thr; replaces alanine 3349 with threonine.
Molecular consequence: missense variant.
Genome position (GRCh38, 1-based): chr6:32,048,363, C>T on the plus strand (G>A on the coding strand, the complement: TNXB is on the minus strand). VCF-style: chr6-32048363-C-T. GRCh37 (hg19) VCF-style: chr6-32016140-C-T.
Other names: c.10039G>A, p.Ala3347Thr (NM_019105.8); short protein forms A3347T, A3349T.
Identifiers: ClinVar variation 224353 (VCV000224353.8), dbSNP rs529527925, ClinGen allele CA3733340.

ClinVar aggregate classification (germline): Uncertain significance. Review status: criteria provided, multiple submitters, no conflicts (2 of 4 stars). 4 submissions from 4 submitters: Uncertain significance (4). Last evaluated 2026-03-25.

Conditions:
Cardiovascular phenotype. Identifiers: MedGen CN230736.
Vesicoureteral reflux 8 (VUR8). Identifiers: Orphanet 289365, MedGen C4014831, MONDO:0014422, OMIM 615963.

Allele frequency attached by ClinVar (database versions not stated): TOPMed 0.00005; 1000 Genomes Project 30x 0.00031; 1000 Genomes Project 0.00040.
gnomAD v4.1: 17 of 1,474,872 alleles (0.0012%); highest among the groups gnomAD compares: African/African-American, 0.018%; no homozygotes.

Submissions (4):

Women's Health and Genetics/Laboratory Corporation of America, LabCorp
Classification: Uncertain significance. Last evaluated: 2026-03-25. Review status: criteria provided, single submitter. Criteria: LabCorp Variant Classification Summary - May 2015. Collection method: clinical testing. Allele origin: germline.
Comment: Variant summary: TNXB c.10039G>A (p.Ala3347Thr) results in a non-conservative amino acid change in the encoded protein sequence near a canonical splice site. Algorithms developed to predict the effect of missense changes on protein structure and function are either unavailable or do not agree on the potential impact of this missense change. Several computational tools predict a significant impact on normal splicing: Four predict the variant weakens a 5' donor site. One predict the variant strengthens a cryptic 5' donor site. However, these predictions have yet to be confirmed by functional studies. The variant allele was found at a frequency of 1.8e-05 in 168606 control chromosomes. The available data on variant occurrences in the general population are insufficient to allow any conclusion about variant significance. To our knowledge, no occurrence of c.10039G>A in individuals affected with TNXB-related conditions and no experimental evidence demonstrating its impact on protein function have been reported. ClinVar contains an entry for this variant (Variation ID: 224353). Based on the evidence outlined above, the variant was classified as uncertain significance.

GeneDx
Classification: Uncertain significance. Last evaluated: 2023-09-20. Review status: criteria provided, single submitter. Criteria: GeneDx Variant Classification Process June 2021. Collection method: clinical testing. Allele origin: germline. Affected: yes.
Comment: Has not been previously published as pathogenic or benign to our knowledge; In silico analysis supports that this missense variant does not alter protein structure/function

Ambry Genetics
Classification: Uncertain significance for Cardiovascular phenotype. Last evaluated: 2023-05-22. Review status: criteria provided, single submitter. Criteria: Ambry Variant Classification Scheme 2023. Collection method: clinical testing. Allele origin: germline.
Comment: The c.10039G>A variant (also known as p.A3347T), located in coding exon 28 of the TNXB gene, results from a G to A substitution at nucleotide position 10039. The amino acid change results in alanine to threonine at codon 3347, an amino acid with similar properties. However, this change occurs in the last base pair of coding exon 28, which makes it likely to have some effect on normal mRNA splicing. This nucleotide position is poorly conserved in available vertebrate species. This amino acid position is poorly conserved in available vertebrate species. In silico splice site analysis predicts that this alteration will not have any significant effect on splicing. In addition, as a missense substitution this is predicted to be tolerated by in silico analysis. Since supporting evidence is limited at this time, the clinical significance of this alteration remains unclear.

Lupski Lab, Baylor-Hopkins CMG, Baylor College of Medicine
Classification: Uncertain significance for Vesicoureteral reflux 8. Review status: criteria provided, single submitter. Criteria: Bekheirnia et al. (Genet Med. 2016). Collection method: research. Allele origin: unknown. Inheritance: Autosomal dominant inheritance. Affected: yes. Observed: 1 heterozygote.